The following is an entry in ClinVar:

NM_002693.3(POLG):c.1121G>A (p.Arg374Gln)

Gene: POLG (DNA polymerase gamma, catalytic subunit; minus strand). Cytogenetic location: 15q26.1.
Variant type: single nucleotide variant.
Coding change: c.1121G>A on transcript NM_002693.3 (MANE Select); coding-DNA position 1121, G replaced by A.
Protein change: p.Arg374Gln; replaces arginine 374 with glutamine.
Molecular consequence: missense variant.
Genome position (GRCh38, 1-based): chr15:89,328,734, C>T on the plus strand (G>A on the coding strand, the complement: POLG is on the minus strand). VCF-style: chr15-89328734-C-T. GRCh37 (hg19) VCF-style: chr15-89871965-C-T.
Other names: c.1121G>A, p.Arg374Gln (NM_001126131.2); short protein forms R374Q.
Identifiers: ClinVar variation 834606 (VCV000834606.12), dbSNP rs1202773554, ClinGen allele CA393764830.
Genomic context (GRCh38, chr15:89,328,734, plus strand): 5'-CAGCACCATACCTGGAAGTTCTCACGAATGTCCTTCATGGTGCCCTTCACAAACAGTTCT[C>T]GAGGCTCCTTCTCTAAGGGAGGCCCCCCTACATAAAGTCTGTGCACCTCTGCCAGACTGT-3'
Protein context (NP_002684.1, residues 364-384): VGGPPLEKEP[Arg374Gln]ELFVKGTMKD

ClinVar aggregate classification (germline): Uncertain significance. Review status: criteria provided, multiple submitters, no conflicts (2 of 4 stars). 2 submissions from 2 submitters: Uncertain significance (2). Last evaluated 2022-10-30.

Conditions:
Progressive sclerosing poliodystrophy (MTDPS4A). Also called: NEURONAL DEGENERATION OF CHILDHOOD WITH LIVER DISEASE, PROGRESSIVE; Alpers Syndrome; Alpers-Huttenlocher Syndrome (AHS); ALPERS PROGRESSIVE INFANTILE POLIODYSTROPHY; Mitochondrial DNA Depletion Syndrome 4A; ALPERS DIFFUSE DEGENERATION OF CEREBRAL GRAY MATTER WITH HEPATIC CIRRHOSIS. Identifiers: Orphanet 726, MedGen C0205710, MONDO:0008758, OMIM 203700.

Allele frequency attached by ClinVar (database versions not stated): gnomAD exomes below 0.00001.

Submissions (2):

Labcorp Genetics (formerly Invitae), Labcorp
Classification: Uncertain significance for Progressive sclerosing poliodystrophy. Last evaluated: 2022-10-30. Review status: criteria provided, single submitter. Criteria: Invitae Variant Classification Sherloc (09022015). Collection method: clinical testing. Allele origin: germline.
Comment: This sequence change replaces arginine, which is basic and polar, with glutamine, which is neutral and polar, at codon 374 of the POLG protein (p.Arg374Gln). This variant is present in population databases (no rsID available, gnomAD 0.0009%). This variant has not been reported in the literature in individuals affected with POLG-related conditions. ClinVar contains an entry for this variant (Variation ID: 834606). Advanced modeling of protein sequence and biophysical properties (such as structural, functional, and spatial information, amino acid conservation, physicochemical variation, residue mobility, and thermodynamic stability) performed at Invitae indicates that this missense variant is expected to disrupt POLG protein function. In summary, the available evidence is currently insufficient to determine the role of this variant in disease. Therefore, it has been classified as a Variant of Uncertain Significance.

GeneDx
Classification: Uncertain significance. Last evaluated: 2021-04-12. Review status: criteria provided, single submitter. Criteria: GeneDx Variant Classification Process June 2021. Collection method: clinical testing. Allele origin: germline. Affected: yes.
Comment: Not observed at a significant frequency in large population cohorts (Lek et al., 2016); In silico analysis supports that this missense variant has a deleterious effect on protein structure/function; Has not been previously published as pathogenic or benign to our knowledge